The following is an entry in ClinVar:

ClinVar aggregate classification (germline): Uncertain significance (1 of 4 stars; one submission).

Submission:

GeneDx
Classification: Uncertain significance. Last evaluated: 2026-03-31. Review status: criteria provided, single submitter. Criteria: GeneDx Variant Classification Process June 2021. Collection method: clinical testing. Allele origin: germline.
Comment: Not observed at significant frequency in large population cohorts (gnomAD); In silico analysis supports that this missense variant has a deleterious effect on protein structure/function; Has not been previously published as pathogenic or benign to our knowledge

NM_004500.4(HNRNPC):c.32C>G (p.Pro11Arg)

Gene: HNRNPC (heterogeneous nuclear ribonucleoprotein C; minus strand). Cytogenetic location: 14q11.2.
Variant type: single nucleotide variant.
Coding change: c.32C>G on transcript NM_004500.4 (MANE Select); coding-DNA position 32, C replaced by G.
Protein change: p.Pro11Arg; replaces proline 11 with arginine.
Molecular consequence: missense variant.
Genome position (GRCh38, 1-based): chr14:21,234,162, G>C on the plus strand (C>G on the coding strand, the complement: HNRNPC is on the minus strand). VCF-style: chr14-21234162-G-C. GRCh37 (hg19) VCF-style: chr14-21702321-G-C.
Other names: c.32C>G, p.Pro11Arg (NM_001077442.2, NM_001077443.2, NM_031314.3); short protein forms P11R.
Identifiers: ClinVar variation 5017927 (VCV005017927.1).